The following is an entry in ClinVar:

NM_001035.3(RYR2):c.1806C>G (p.Asp602Glu)

Gene: RYR2 (ryanodine receptor 2; plus strand). Cytogenetic location: 1q43.
Variant type: single nucleotide variant.
Coding change: c.1806C>G on transcript NM_001035.3 (MANE Select); coding-DNA position 1806, C replaced by G.
Protein change: p.Asp602Glu; replaces aspartic acid 602 with glutamic acid.
Molecular consequence: missense variant.
Genome position (GRCh38, 1-based): chr1:237,491,903, C>G. VCF-style: chr1-237491903-C-G. GRCh37 (hg19) VCF-style: chr1-237655203-C-G.
Other names: short protein forms D602E.
Identifiers: ClinVar variation 4810851 (VCV004810851.1).
Genomic context (GRCh38, chr1:237,491,903, plus strand): 5'-TCCAGAAGCTCTAAATATTATTAAAGAAGGACATATTAAATCTATTATCTCACTTTTAGA[C>G]AAACATGGAAGAAATCACAAGGTAAATGAACTATTTTATTTCCCTGAATGAATTCTCAAA-3'
Protein context (NP_001026.2, residues 592-612): GHIKSIISLL[Asp602Glu]KHGRNHKVLD

ClinVar aggregate classification (germline): Uncertain significance (1 of 4 stars; one submission).

Conditions:
Catecholaminergic polymorphic ventricular tachycardia 1. Also called: VENTRICULAR TACHYCARDIA, STRESS-INDUCED POLYMORPHIC 1; VENTRICULAR TACHYCARDIA, CATECHOLAMINERGIC POLYMORPHIC, 1, WITH OR WITHOUT ATRIAL DYSFUNCTION AND/OR DILATED CARDIOMYOPATHY; RYR2-Related Catecholaminergic Polymorphic Ventricular Tachycardia. Identifiers: Orphanet 3286, MedGen C1631597, MONDO:0011484, OMIM 604772.

Submission:

Labcorp Genetics (formerly Invitae), Labcorp
Classification: Uncertain significance for Catecholaminergic polymorphic ventricular tachycardia 1. Last evaluated: 2026-01-06. Review status: criteria provided, single submitter. Criteria: Invitae Variant Classification Sherloc (09022015). Collection method: clinical testing. Allele origin: germline.
Comment: This sequence change replaces aspartic acid, which is acidic and polar, with glutamic acid, which is acidic and polar, at codon 602 of the RYR2 protein (p.Asp602Glu). This variant is not present in population databases (gnomAD no frequency). This variant has not been reported in the literature in individuals affected with RYR2-related conditions. Invitae Evidence Modeling of protein sequence and biophysical properties (such as structural, functional, and spatial information, amino acid conservation, physicochemical variation, residue mobility, and thermodynamic stability) has been performed for this missense variant. However, the output from this modeling did not meet the statistical confidence thresholds required to predict the impact of this variant on RYR2 protein function. In summary, the available evidence is currently insufficient to determine the role of this variant in disease. Therefore, it has been classified as a Variant of Uncertain Significance.